The following is an entry in ClinVar:

ClinVar aggregate classification (germline): Uncertain significance. Review status: criteria provided, multiple submitters, no conflicts (2 of 4 stars). 2 submissions from 2 submitters: Uncertain significance (2). Last evaluated 2023-08-10.

Conditions:
Leukemia, acute lymphoblastic, susceptibility to, 3 (ALL3). Identifiers: MedGen C3809874, MONDO:0014241, OMIM 615545.

Allele frequency attached by ClinVar (database versions not stated): gnomAD exomes below 0.00001 and 0.00001; ExAC 0.00002; gnomAD 0.00002; TOPMed 0.00002.
gnomAD v4.1: 7 of 1,614,098 alleles (0.00043%); highest among the groups gnomAD compares: Non-Finnish European, 0.00059%; no homozygotes.

Submissions (2):

Labcorp Genetics (formerly Invitae), Labcorp
Classification: Uncertain significance. Last evaluated: 2023-08-10. Review status: criteria provided, single submitter. Criteria: Invitae Variant Classification Sherloc (09022015). Collection method: clinical testing. Allele origin: germline.
Comment: This sequence change replaces leucine, which is neutral and non-polar, with proline, which is neutral and non-polar, at codon 234 of the PAX5 protein (p.Leu234Pro). This variant is present in population databases (rs753068558, gnomAD 0.002%). This variant has not been reported in the literature in individuals affected with PAX5-related conditions. ClinVar contains an entry for this variant (Variation ID: 620623). Advanced modeling of protein sequence and biophysical properties (such as structural, functional, and spatial information, amino acid conservation, physicochemical variation, residue mobility, and thermodynamic stability) performed at Invitae indicates that this missense variant is not expected to disrupt PAX5 protein function. In summary, the available evidence is currently insufficient to determine the role of this variant in disease. Therefore, it has been classified as a Variant of Uncertain Significance.

St. Jude Molecular Pathology, St. Jude Children's Research Hospital
Classification: Uncertain significance for Leukemia, acute lymphoblastic, susceptibility to, 3. Last evaluated: 2021-01-13. Review status: criteria provided, single submitter. Criteria: St. Jude Assertion Criteria 2020. Collection method: clinical testing. Allele origin: germline.

NM_016734.3(PAX5):c.701T>C (p.Leu234Pro)

Gene: PAX5 (paired box 5; minus strand). Cytogenetic location: 9p13.2.
Variant type: single nucleotide variant.
Coding change: c.701T>C on transcript NM_016734.3 (MANE Select); coding-DNA position 701, T replaced by C.
Protein change: p.Leu234Pro; replaces leucine 234 with proline.
Molecular consequence: missense variant. On other transcripts: non-coding transcript variant (2).
Genome position (GRCh38, 1-based): chr9:36,966,628, A>G on the plus strand (T>C on the coding strand, the complement: PAX5 is on the minus strand). VCF-style: chr9-36966628-A-G. GRCh37 (hg19) VCF-style: chr9-36966625-A-G.
Other names: c.701T>C, p.Leu234Pro (NM_001280547.2, NM_001280548.2, NM_001280549.2 and 2 more transcripts); c.377T>C, p.Leu126Pro (NM_001280551.2, NM_001280556.2); c.572T>C, p.Leu191Pro (NM_001280553.2, NM_001280554.2); c.503T>C, p.Leu168Pro (NM_001280555.2); short protein forms L234P, L168P, L191P, L126P.
Identifiers: ClinVar variation 620623 (VCV000620623.6), dbSNP rs753068558, ClinGen allele CA5058226.
Genomic context (GRCh38, chr9:36,966,628, plus strand): 5'-TCTGTGGTGGTGAAGATGTCTGAGTAGTGCTGCCTCTCAAACACGCGGTCCAGCACCTCC[A>G]GCTGCTGCTGTGTGAACAAGTCTCCCCGCATCTGCTTCCGGAGGAAGTCTCTGCCCGGAA-3'
Protein context (NP_057953.1, residues 224-244): MRGDLFTQQQ[Leu234Pro]EVLDRVFERQ